The following is an entry in ClinVar:

NM_001379500.1(COL18A1):c.1127G>A (p.Gly376Asp)

Gene: COL18A1 (collagen type XVIII alpha 1 chain; plus strand). Cytogenetic location: 21q22.3.
Variant type: single nucleotide variant.
Coding change: c.1127G>A on transcript NM_001379500.1 (MANE Select); coding-DNA position 1127, G replaced by A.
Protein change: p.Gly376Asp; replaces glycine 376 with aspartic acid.
Molecular consequence: missense variant.
Genome position (GRCh38, 1-based): chr21:45,477,871, G>A. VCF-style: chr21-45477871-G-A. GRCh37 (hg19) VCF-style: chr21-46897785-G-A.
Other names: c.1667G>A, p.Gly556Asp (NM_030582.4); c.2372G>A, p.Gly791Asp (NM_130444.3); short protein forms G791D, G376D, G556D.
Identifiers: ClinVar variation 1476368 (VCV001476368.5), dbSNP rs1222535856, ClinGen allele CA410515508.

ClinVar aggregate classification (germline): Uncertain significance (1 of 4 stars; one submission).

Allele frequency attached by ClinVar (database versions not stated): TOPMed below 0.00001.

Submission:

Labcorp Genetics (formerly Invitae), Labcorp
Classification: Uncertain significance. Last evaluated: 2021-06-16. Review status: criteria provided, single submitter. Criteria: Invitae Variant Classification Sherloc (09022015). Collection method: clinical testing. Allele origin: germline.
Comment: In summary, the available evidence is currently insufficient to determine the role of this variant in disease. Therefore, it has been classified as a Variant of Uncertain Significance. This sequence change replaces glycine with aspartic acid at codon 376 of the COL18A1 protein (p.Gly376Asp). The glycine residue is moderately conserved and there is a moderate physicochemical difference between glycine and aspartic acid. This variant is not present in population databases (ExAC no frequency). This variant has not been reported in the literature in individuals with COL18A1-related conditions. Experimental studies and prediction algorithms are not available or were not evaluated, and the functional significance of this variant is currently unknown.